The following is an entry in ClinVar:

NM_015425.6(POLR1A):c.4747A>T (p.Ile1583Phe)

Gene: POLR1A (RNA polymerase I subunit A; minus strand). Cytogenetic location: 2p11.2.
Variant type: single nucleotide variant.
Coding change: c.4747A>T on transcript NM_015425.6 (MANE Select); coding-DNA position 4747, A replaced by T.
Protein change: p.Ile1583Phe; replaces isoleucine 1583 with phenylalanine.
Molecular consequence: missense variant.
Genome position (GRCh38, 1-based): chr2:86,030,228, T>A on the plus strand (A>T on the coding strand, the complement: POLR1A is on the minus strand). VCF-style: chr2-86030228-T-A. GRCh37 (hg19) VCF-style: chr2-86257351-T-A.
Other names: short protein forms I1583F.
Identifiers: ClinVar variation 2501499 (VCV002501499.1), dbSNP rs2466302534, ClinGen allele CA347545303.

ClinVar aggregate classification (germline): Uncertain significance (1 of 4 stars; one submission).

Submission:

GeneDx
Classification: Uncertain significance. Last evaluated: 2022-11-08. Review status: criteria provided, single submitter. Criteria: GeneDx Variant Classification Process June 2021. Collection method: clinical testing. Allele origin: germline. Affected: yes.
Comment: Not observed at significant frequency in large population cohorts (gnomAD); In silico analysis supports that this missense variant has a deleterious effect on protein structure/function; Has not been previously published as pathogenic or benign to our knowledge